The following is an entry in ClinVar:

NM_005477.3(HCN4):c.2642C>T (p.Ser881Phe)

Gene: HCN4 (hyperpolarization activated cyclic nucleotide gated potassium channel 4; minus strand). Cytogenetic location: 15q24.1.
Variant type: single nucleotide variant.
Coding change: c.2642C>T on transcript NM_005477.3 (MANE Select); coding-DNA position 2642, C replaced by T.
Protein change: p.Ser881Phe; replaces serine 881 with phenylalanine.
Molecular consequence: missense variant.
Genome position (GRCh38, 1-based): chr15:73,323,451, G>A on the plus strand (C>T on the coding strand, the complement: HCN4 is on the minus strand). VCF-style: chr15-73323451-G-A. GRCh37 (hg19) VCF-style: chr15-73615792-G-A.
Other names: short protein forms S881F.
Identifiers: ClinVar variation 1486602 (VCV001486602.5), dbSNP rs2151214556, ClinGen allele CA393088491.
Genomic context (GRCh38, chr15:73,323,451, plus strand): 5'-GCGGCTACGCCAGCTGATGGTGTGGGAGCCGAGGGGGAGCCACAGGCCCCGGGGGGTGGG[G>A]AGGAGCTGGATGAGGGCAGGAGTGGGCTCAGTCCAGCGGGGGCAGAGAATCCAGCCAGCT-3'
Protein context (NP_005468.1, residues 871-891): LSPLLPSSSS[Ser881Phe]PPPGACGSPS

ClinVar aggregate classification (germline): Uncertain significance (1 of 4 stars; one submission).

Conditions:
Brugada syndrome 8 (BRGDA8). Identifiers: Orphanet 130, MedGen C2751083, MONDO:0013148, OMIM 613123.

gnomAD v4.1: 1 of 1,609,122 alleles (0.000062%); highest among the groups gnomAD compares: South Asian, 0.0011%; no homozygotes.

Submission:

Labcorp Genetics (formerly Invitae), Labcorp
Classification: Uncertain significance for Brugada syndrome 8. Last evaluated: 2021-09-24. Review status: criteria provided, single submitter. Criteria: Invitae Variant Classification Sherloc (09022015). Collection method: clinical testing. Allele origin: germline.
Comment: This sequence change replaces serine with phenylalanine at codon 881 of the HCN4 protein (p.Ser881Phe). The serine residue is moderately conserved and there is a large physicochemical difference between serine and phenylalanine. This variant is not present in population databases (ExAC no frequency). This variant has not been reported in the literature in individuals with HCN4-related conditions. Advanced modeling of protein sequence and biophysical properties (such as structural, functional, and spatial information, amino acid conservation, physicochemical variation, residue mobility, and thermodynamic stability) performed at Invitae indicates that this missense variant is not expected to disrupt HCN4 protein function. In summary, the available evidence is currently insufficient to determine the role of this variant in disease. Therefore, it has been classified as a Variant of Uncertain Significance.